The following is an entry in ClinVar:

NM_024072.4(DDX54):c.1113C>T (p.Ala371=)

Gene: DDX54 (DEAD-box helicase 54; minus strand). Cytogenetic location: 12q24.13.
Variant type: single nucleotide variant.
Coding change: c.1113C>T on transcript NM_024072.4 (MANE Select); coding-DNA position 1113, C replaced by T.
Protein change: p.Ala371=; no amino-acid change (alanine 371 retained).
Molecular consequence: synonymous variant.
Genome position (GRCh38, 1-based): chr12:113,172,519, G>A on the plus strand (C>T on the coding strand, the complement: DDX54 is on the minus strand). VCF-style: chr12-113172519-G-A. GRCh37 (hg19) VCF-style: chr12-113610324-G-A.
Other names: c.1113C>T, p.Ala371= (NM_001111322.2).
Identifiers: ClinVar variation 3046063 (VCV003046063.2), dbSNP rs144718042, ClinGen allele CA6803738.

ClinVar aggregate classification (germline): Benign (0 of 4 stars; one submission).

Conditions:
DDX54-related disorder. Also called: DDX54-related condition.

Allele frequency attached by ClinVar (database versions not stated): gnomAD exomes 0.00052; ExAC 0.00182; gnomAD 0.00557; ESP Exome Variant Server 0.00654; 1000 Genomes Project 0.00659; TOPMed 0.00675; 1000 Genomes Project 30x 0.00687.
gnomAD v4.1: 1,643 of 1,614,228 alleles (0.1%); highest among the groups gnomAD compares: African/African-American, 1.9%; 15 homozygotes.

Submission:

PreventionGenetics, part of Exact Sciences
Classification: Benign for DDX54-related condition. Last evaluated: 2019-11-07. Review status: no assertion criteria provided. Collection method: clinical testing. Allele origin: germline.
Comment: This variant is classified as benign based on ACMG/AMP sequence variant interpretation guidelines (Richards et al. 2015 PMID: 25741868, with internal and published modifications).